The following is an entry in ClinVar:

ClinVar aggregate classification (germline): Uncertain significance. Review status: criteria provided, multiple submitters, no conflicts (2 of 4 stars). 2 submissions from 2 submitters: Uncertain significance (2). Last evaluated 2024-07-30.

Conditions:
Inborn genetic diseases. Identifiers: MedGen C0950123, MeSH D030342.
Autosomal recessive limb-girdle muscular dystrophy type 2O. Also called: Limb-Girdle Muscular Dystrophy Type 3C; MUSCULAR DYSTROPHY-DYSTROGLYCANOPATHY (LIMB-GIRDLE), TYPE C, 3; MUSCULAR DYSTROPHY-DYSTROGLYCANOPATHY, LIMB-GIRDLE, POMGNT1-RELATED. Identifiers: Orphanet 206564, MedGen C3150417, MONDO:0013161, OMIM 613157.
Muscular dystrophy-dystroglycanopathy (congenital with impaired intellectual development), type B, 3. Also called: MUSCULAR DYSTROPHY, CONGENITAL, POMGNT1-RELATED; Muscular dystrophy-dystroglycanopathy (congenital with intellectual disability), type B3. Identifiers: MedGen C3150412, MONDO:0013155, OMIM 613151.

Allele frequency attached by ClinVar (database versions not stated): gnomAD 0.00001; ExAC 0.00002; ESP Exome Variant Server 0.00008; gnomAD exomes 0.00001 and below 0.00001; TOPMed 0.00001.
gnomAD v4.1: 7 of 1,606,646 alleles (0.00044%); highest among the groups gnomAD compares: Middle Eastern, 0.016%; no homozygotes.

Submissions (2):

Ambry Genetics
Classification: Uncertain significance for Inborn genetic diseases. Last evaluated: 2024-07-30. Review status: criteria provided, single submitter. Criteria: Ambry Variant Classification Scheme 2023. Collection method: clinical testing. Allele origin: germline.

Labcorp Genetics (formerly Invitae), Labcorp
Classification: Uncertain significance for Autosomal recessive limb-girdle muscular dystrophy type 2O; Muscular dystrophy-dystroglycanopathy (congenital with impaired intellectual development), type B, 3. Last evaluated: 2022-04-26. Review status: criteria provided, single submitter. Criteria: Invitae Variant Classification Sherloc (09022015). Collection method: clinical testing. Allele origin: germline.
Comment: This sequence change replaces glutamic acid, which is acidic and polar, with aspartic acid, which is acidic and polar, at codon 544 of the POMGNT1 protein (p.Glu544Asp). This variant is present in population databases (rs149482430, gnomAD 0.003%). This variant has not been reported in the literature in individuals affected with POMGNT1-related conditions. Advanced modeling of protein sequence and biophysical properties (such as structural, functional, and spatial information, amino acid conservation, physicochemical variation, residue mobility, and thermodynamic stability) performed at Invitae indicates that this missense variant is not expected to disrupt POMGNT1 protein function. In summary, the available evidence is currently insufficient to determine the role of this variant in disease. Therefore, it has been classified as a Variant of Uncertain Significance.

NM_017739.4(POMGNT1):c.1632A>C (p.Glu544Asp)

Genes: POMGNT1 (protein O-linked mannose N-acetylglucosaminyltransferase 1 (beta 1,2-); minus strand), TSPAN1 (tetraspanin 1; plus strand). Cytogenetic location: 1p34.1.
Variant type: single nucleotide variant.
Coding change: c.1632A>C on transcript NM_017739.4 (MANE Select); coding-DNA position 1632, A replaced by C.
Protein change: p.Glu544Asp; replaces glutamic acid 544 with aspartic acid.
Molecular consequence: missense variant.
Genome position (GRCh38, 1-based): chr1:46,190,490, T>G on the plus strand (A>C on the coding strand, the complement: POMGNT1 is on the minus strand). VCF-style: chr1-46190490-T-G. GRCh37 (hg19) VCF-style: chr1-46656162-T-G.
Other names: c.1632A>C, p.Glu544Asp (NM_001243766.2, NM_001410783.1); c.1566A>C, p.Glu522Asp (NM_001290129.3); c.1203A>C, p.Glu401Asp (NM_001290130.2); short protein forms E522D, E401D, E544D.
Identifiers: ClinVar variation 1376477 (VCV001376477.6), dbSNP rs149482430, ClinGen allele CA833291.